The following is an entry in ClinVar:

ClinVar aggregate classification (germline): Uncertain significance (1 of 4 stars; one submission).

Submission:

GeneDx
Classification: Uncertain significance. Last evaluated: 2024-11-11. Review status: criteria provided, single submitter. Criteria: GeneDx Variant Classification Process June 2021. Collection method: clinical testing. Allele origin: germline. Affected: yes.
Comment: Not observed at significant frequency in large population cohorts (gnomAD); In silico analysis supports that this missense variant has a deleterious effect on protein structure/function; Has not been previously published as pathogenic or benign to our knowledge

NM_182925.5(FLT4):c.1961A>C (p.Glu654Ala)

Gene: FLT4 (fms related receptor tyrosine kinase 4; minus strand). Cytogenetic location: 5q35.3.
Variant type: single nucleotide variant.
Coding change: c.1961A>C on transcript NM_182925.5 (MANE Select); coding-DNA position 1961, A replaced by C.
Protein change: p.Glu654Ala; replaces glutamic acid 654 with alanine.
Molecular consequence: missense variant.
Genome position (GRCh38, 1-based): chr5:180,621,601, T>G on the plus strand (A>C on the coding strand, the complement: FLT4 is on the minus strand). VCF-style: chr5-180621601-T-G. GRCh37 (hg19) VCF-style: chr5-180048601-T-G.
Other names: c.1961A>C, p.Glu654Ala (NM_001354989.2, NM_002020.5); short protein forms E654A.
Identifiers: ClinVar variation 3898797 (VCV003898797.1).